The following is an entry in ClinVar:

ClinVar aggregate classification (germline): Uncertain significance (1 of 4 stars; one submission).

Conditions:
Kleefstra syndrome 1 (KLEFS1). Identifiers: Orphanet 261494, MedGen C0795833, MONDO:0027407, OMIM 610253.

Submission:

Laboratory of Genetics, Children's Clinical University Hospital Latvia
Classification: Uncertain significance for Kleefstra syndrome 1. Review status: criteria provided, single submitter. Criteria: ACMG Guidelines, 2015. Collection method: curation. Allele origin: inherited. Affected: yes.
Comment: inherited from a parent (affected or unaffected)

Literature cited by the submitters: PubMed 39013458.

NM_024757.5(EHMT1):c.3736T>C (p.Phe1246Leu)

Gene: EHMT1 (euchromatic histone lysine methyltransferase 1; plus strand). Cytogenetic location: 9q34.3.
Variant type: single nucleotide variant.
Coding change: c.3736T>C on transcript NM_024757.5 (MANE Select); coding-DNA position 3736, T replaced by C.
Protein change: p.Phe1246Leu; replaces phenylalanine 1246 with leucine.
Molecular consequence: missense variant.
Genome position (GRCh38, 1-based): chr9:137,834,792, T>C. VCF-style: chr9-137834792-T-C. GRCh37 (hg19) VCF-style: chr9-140729244-T-C.
Other names: c.3715T>C, p.Phe1239Leu (NM_001354263.2); short protein forms F1239L, F1246L.
Identifiers: ClinVar variation 3236907 (VCV003236907.1).